The following is an entry in ClinVar:

NM_005963.4(MYH1):c.2435+10A>G

Genes: MYH1 (myosin heavy chain 1; minus strand), MYHAS (myosin heavy chain gene cluster antisense RNA; plus strand), LOC126862499 (MED14-independent group 3 enhancer GRCh37_chr17:10407979-10409178; plus strand). Cytogenetic location: 17p13.1.
Variant type: single nucleotide variant.
Coding change: c.2435+10A>G on transcript NM_005963.4 (MANE Select); 10 bases into the intron after coding-DNA position 2435, A replaced by G.
Molecular consequence: intron variant.
Genome position (GRCh38, 1-based): chr17:10,505,153, T>C on the plus strand (A>G on the coding strand, the complement: MYH1 is on the minus strand). VCF-style: chr17-10505153-T-C. GRCh37 (hg19) VCF-style: chr17-10408470-T-C.
Identifiers: ClinVar variation 4981821 (VCV004981821.1).

ClinVar aggregate classification (germline): Likely benign (1 of 4 stars; one submission).

Conditions:
MYH1-related disorder. Also called: MYH1-related condition.

Submission:

PreventionGenetics, part of Exact Sciences
Classification: Likely benign for MYH1-related condition. Last evaluated: 2025-10-19. Review status: criteria provided, single submitter. Criteria: ACMG Guidelines, 2015. Collection method: clinical testing. Allele origin: germline.
Comment: This variant is classified as likely benign based on ACMG/AMP sequence variant interpretation guidelines (Richards et al. 2015 PMID: 25741868, with internal and published modifications).